The following is an entry in ClinVar:

ClinVar aggregate classification (germline): Pathogenic (1 of 4 stars; one submission).

Conditions:
Glycogen storage disease IXb (GSD9B). Also called: PHOSPHORYLASE KINASE DEFICIENCY OF LIVER AND MUSCLE, AUTOSOMAL RECESSIVE; GLYCOGENOSIS OF LIVER AND MUSCLE, AUTOSOMAL RECESSIVE; GSD IXb. Identifiers: Orphanet 79240, MedGen C0543514, MONDO:0009868, OMIM 261750.

Submission:

Labcorp Genetics (formerly Invitae), Labcorp
Classification: Pathogenic for Glycogen storage disease IXb. Last evaluated: 2023-12-10. Review status: criteria provided, single submitter. Criteria: Invitae Variant Classification Sherloc (09022015). Collection method: clinical testing. Allele origin: germline.
Comment: This sequence change creates a premature translational stop signal (p.Trp924*) in the PHKB gene. It is expected to result in an absent or disrupted protein product. Loss-of-function variants in PHKB are known to be pathogenic (PMID: 9215682, 9326319). This variant is not present in population databases (gnomAD no frequency). This variant has not been reported in the literature in individuals affected with PHKB-related conditions. For these reasons, this variant has been classified as Pathogenic.

Literature cited by the submitters: PubMed 9215682; PubMed 9326319.

NM_000293.3(PHKB):c.2772G>A (p.Trp924Ter)

Gene: PHKB (phosphorylase kinase regulatory subunit beta; plus strand). Cytogenetic location: 16q12.1.
Variant type: single nucleotide variant.
Coding change: c.2772G>A on transcript NM_000293.3 (MANE Select); coding-DNA position 2772, G replaced by A.
Protein change: p.Trp924Ter; replaces tryptophan 924 with a stop codon.
Molecular consequence: nonsense.
Genome position (GRCh38, 1-based): chr16:47,693,384, G>A. VCF-style: chr16-47693384-G-A. GRCh37 (hg19) VCF-style: chr16-47727295-G-A.
Other names: c.2751G>A, p.Trp917Ter (NM_001031835.3); c.2772G>A, p.Trp924Ter (NM_001363837.1); short protein forms W917*, W924*.
Identifiers: ClinVar variation 2783806 (VCV002783806.3), dbSNP rs2506722059, ClinGen allele CA396100378.